The following is an entry in ClinVar:

NM_001009999.3(KDM1A):c.1656dup (p.Leu553fs)

Gene: KDM1A (lysine demethylase 1A; plus strand). Cytogenetic location: 1p36.12.
Variant type: Duplication.
Coding change: c.1656dup on transcript NM_001009999.3 (MANE Select); coding-DNA position 1656, one base duplicated (A; older notation c.1656dupA).
Protein change: p.Leu553fs; shifts the reading frame from leucine 553.
Molecular consequence: frameshift variant.
Genome position (GRCh38, 1-based): chr1:23,073,325, A duplicated. VCF-style (leftmost placement, unchanged base first): chr1-23073324-T-TA. GRCh37 (hg19) VCF-style: chr1-23399817-T-TA.
Other names: c.1602dup, p.Leu535fs (NM_001363654.2); c.1662dup, p.Leu555fs (NM_001410762.1); c.1584dup, p.Leu529fs (NM_001410763.1, NM_015013.4); short protein forms L553fs, L529fs, L535fs, L555fs.
Identifiers: ClinVar variation 2860842 (VCV002860842.3), dbSNP rs2522804444, ClinGen allele CA2739272345.
Genomic context (GRCh38, chr1:23,073,324, plus strand): 5'-AATCCTGTAGTCCTTTGTTCTTTTGCAGTGATGTATATCTCTCATCAAGAGACAGACAAA[T>TA]ACTTGATTGGCATTTTGCAAATCTTGAATTTGCTAATGCCACACCTCTCTCAACTCTCTC-3'

ClinVar aggregate classification (germline): Uncertain significance (1 of 4 stars; one submission).

Submission:

Labcorp Genetics (formerly Invitae), Labcorp
Classification: Uncertain significance. Last evaluated: 2023-04-30. Review status: criteria provided, single submitter. Criteria: Invitae Variant Classification Sherloc (09022015). Collection method: clinical testing. Allele origin: germline.
Comment: In summary, the available evidence is currently insufficient to determine the role of this variant in disease. Therefore, it has been classified as a Variant of Uncertain Significance. This variant has not been reported in the literature in individuals affected with KDM1A-related conditions. This variant is not present in population databases (gnomAD no frequency). This sequence change creates a premature translational stop signal (p.Leu553Thrfs*2) in the KDM1A gene. It is expected to result in an absent or disrupted protein product. However, the current clinical and genetic evidence is not sufficient to establish whether loss-of-function variants in KDM1A cause disease.